The following is an entry in ClinVar:

NM_016953.4(PDE11A):c.985C>T (p.Arg329Ter)

Gene: PDE11A (phosphodiesterase 11A; minus strand). Cytogenetic location: 2q31.2.
Variant type: single nucleotide variant.
Coding change: c.985C>T on transcript NM_016953.4 (MANE Select); coding-DNA position 985, C replaced by T.
Protein change: p.Arg329Ter; replaces arginine 329 with a stop codon.
Molecular consequence: nonsense.
Genome position (GRCh38, 1-based): chr2:178,014,388, G>A on the plus strand (C>T on the coding strand, the complement: PDE11A is on the minus strand). VCF-style: chr2-178014388-G-A. GRCh37 (hg19) VCF-style: chr2-178879115-G-A.
Other names: c.235C>T, p.Arg79Ter (NM_001077197.2); short protein forms R79*, R329*.
Identifiers: ClinVar variation 225434 (VCV000225434.5), dbSNP rs188985665, ClinGen allele CA1982147.
Genomic context (GRCh38, chr2:178,014,388, plus strand): 5'-CTCCTTCAGGAATCTTATTTATCGCTTGGGCCACACCAATAATCTCACCATCACTGCTTC[G>A]GATAGGCATGCACAATAATGATTTTGTCTTGTATCCAGTTAGCTTGTCGATTTCATCATT-3'

ClinVar aggregate classification (germline): Uncertain significance. Review status: criteria provided, multiple submitters, no conflicts (2 of 4 stars). 3 submissions from 3 submitters: Uncertain significance (2). 1 of the submissions does not count toward it. Last evaluated 2022-09-12.

Conditions:
Pigmented nodular adrenocortical disease, primary, 2 (PPNAD2). Also called: PIGMENTED MICRONODULAR ADRENOCORTICAL DISEASE, PRIMARY, 2; CUSHING SYNDROME, ADRENAL, DUE TO PPNAD2. Identifiers: Orphanet 189439, MedGen C1864851, MONDO:0012505, OMIM 610475.

Allele frequency attached by ClinVar (database versions not stated): gnomAD 0.00017 and 0.00042; gnomAD exomes 0.00022 and 0.00027; ExAC 0.00027; TOPMed 0.00054; 1000 Genomes Project 0.00060; 1000 Genomes Project 30x 0.00062.
gnomAD v4.1: 382 of 1,611,182 alleles (0.024%); highest among the groups gnomAD compares: South Asian, 0.076%; 2 homozygotes.

Submissions (3):

GeneDx
Classification: Uncertain significance. Last evaluated: 2022-09-12. Review status: criteria provided, single submitter. Criteria: GeneDx Variant Classification Process June 2021. Collection method: clinical testing. Allele origin: germline. Affected: yes.
Comment: Nonsense variant predicted to result in protein truncation or nonsense mediated decay in a gene or region of a gene for which loss of function is not a well-established mechanism of disease; Has not been previously published in an individual with PDE11A-related disease as pathogenic or benign to our knowledge; This variant is associated with the following publications: (PMID: 34426522, 31589614, 31921681, 30262796)

Baylor Genetics
Classification: Uncertain significance for Pigmented nodular adrenocortical disease, primary, 2. Last evaluated: 2018-06-28. Review status: criteria provided, single submitter. Criteria: ACMG Guidelines, 2015. Collection method: clinical testing. Allele origin: maternal. Affected: yes.
Comment: This variant was determined to be of uncertain significance according to ACMG Guidelines, 2015 [PMID:25741868].

Soonchunhyang University Bucheon Hospital, Soonchunhyang University Medical Center
Classification: Likely pathogenic for Pigmented nodular adrenocortical disease, primary, 2. Last evaluated: 2016-03-18. Review status: flagged submission. Criteria: ACMG Guidelines, 2015. Collection method: reference population. Allele origin: germline. Observed: 1 variant allele. Not counted in ClinVar's aggregate classification.
ClinVar note: Reason: Claim with insufficient supporting evidence

Literature cited by the submitters: PubMed 16767104 (cited by Soonchunhyang University Bucheon Hospital, Soonchunhyang University Medical Center).